The following is an entry in ClinVar:

NM_001182.5(ALDH7A1):c.1237A>G (p.Ile413Val)

Gene: ALDH7A1 (aldehyde dehydrogenase 7 family member A1; minus strand). Cytogenetic location: 5q23.2.
Variant type: single nucleotide variant.
Coding change: c.1237A>G on transcript NM_001182.5 (MANE Select); coding-DNA position 1237, A replaced by G.
Protein change: p.Ile413Val; replaces isoleucine 413 with valine.
Molecular consequence: missense variant.
Genome position (GRCh38, 1-based): chr5:126,552,101, T>C on the plus strand (A>G on the coding strand, the complement: ALDH7A1 is on the minus strand). VCF-style: chr5-126552101-T-C. GRCh37 (hg19) VCF-style: chr5-125887793-T-C.
Other names: c.1153A>G, p.Ile385Val (NM_001201377.2); c.1045A>G, p.Ile349Val (NM_001202404.2); short protein forms I349V, I413V, I385V.
Identifiers: ClinVar variation 2038434 (VCV002038434.1), dbSNP rs201792544, ClinGen allele CA3389475.

ClinVar aggregate classification (germline): Uncertain significance (1 of 4 stars; one submission).

Conditions:
Pyridoxine-dependent epilepsy (EPEO4). Also called: PYRIDOXINE DEPENDENCY WITH SEIZURES; Pyridoxine-Dependent Seizures; Pyridoxine-Dependent Epilepsy - ALDH7A1; EPILEPSY, EARLY-ONSET, 4, VITAMIN B6-DEPENDENT. Identifiers: Orphanet 3006, MedGen C1849508, MONDO:0009945, OMIM 266100. Disease mechanism: loss of function.

Allele frequency attached by ClinVar (database versions not stated): gnomAD exomes 0.00003; ExAC 0.00006; gnomAD 0.00001; TOPMed 0.00001; ESP Exome Variant Server 0.00008; 1000 Genomes Project 0.00040; 1000 Genomes Project 30x 0.00047.
gnomAD v4.1: 42 of 1,614,130 alleles (0.0026%); highest among the groups gnomAD compares: East Asian, 0.087%; no homozygotes.

Submission:

Labcorp Genetics (formerly Invitae), Labcorp
Classification: Uncertain significance for Pyridoxine-dependent epilepsy. Last evaluated: 2022-05-19. Review status: criteria provided, single submitter. Criteria: Invitae Variant Classification Sherloc (09022015). Collection method: clinical testing. Allele origin: germline.
Comment: This sequence change replaces isoleucine, which is neutral and non-polar, with valine, which is neutral and non-polar, at codon 413 of the ALDH7A1 protein (p.Ile413Val). This variant is present in population databases (rs201792544, gnomAD 0.03%). This variant has not been reported in the literature in individuals affected with ALDH7A1-related conditions. Advanced modeling of protein sequence and biophysical properties (such as structural, functional, and spatial information, amino acid conservation, physicochemical variation, residue mobility, and thermodynamic stability) performed at Invitae indicates that this missense variant is not expected to disrupt ALDH7A1 protein function. In summary, the available evidence is currently insufficient to determine the role of this variant in disease. Therefore, it has been classified as a Variant of Uncertain Significance.